The following is an entry in ClinVar:

NM_024027.5(COLEC11):c.-26-679G>A

Gene: COLEC11 (collectin subfamily member 11; plus strand). Cytogenetic location: 2p25.3.
Variant type: single nucleotide variant.
Coding change: c.-26-679G>A on transcript NM_024027.5 (MANE Select); 679 bases into the intron before 26 bases upstream of the start codon, G replaced by A.
Molecular consequence: intron variant. On other transcripts: 5 prime UTR variant (1).
Genome position (GRCh38, 1-based): chr2:3,603,636, G>A. VCF-style: chr2-3603636-G-A. GRCh37 (hg19) VCF-style: chr2-3651226-G-A.
Other names: c.-10G>A (NM_001255985.1); c.-114-679G>A (NM_199235.3); c.-26-679G>A (NM_001255983.2, NM_001255982.2, NM_001255984.2).
Identifiers: ClinVar variation 3053588 (VCV003053588.3), dbSNP rs561328335, ClinGen allele CA1516753.
Genomic context (GRCh38, chr2:3,603,636, plus strand): 5'-CAAAGTGCTGGAATTACAGGTGTGAGCCACTGCGCCTGGTCTTGTTTTCCAAGTTGTAAC[G>A]CCCTTCACGATGAAGAAACAAAGAGGTCAGCACGTACCCGCCCCTCCTGGGATGGTCAGA-3'

ClinVar aggregate classification (germline): Likely benign. Review status: criteria provided, single submitter (1 of 4 stars). 2 submissions from 2 submitters: Likely benign (1). 1 of the submissions does not count toward it. Last evaluated 2024-08-06.

Conditions:
COLEC11-related disorder. Also called: COLEC11-related condition.

Allele frequency attached by ClinVar (database versions not stated): gnomAD exomes 0.00021; ExAC 0.00040; TOPMed 0.00150; gnomAD 0.00154; 1000 Genomes Project 30x 0.00219; 1000 Genomes Project 0.00220.
gnomAD v4.1: 532 of 1,550,918 alleles (0.034%); highest among the groups gnomAD compares: African/African-American, 0.55%; no homozygotes.

Submissions (2):

Blueprint Genetics
Classification: Likely benign. Last evaluated: 2024-08-06. Review status: criteria provided, single submitter. Criteria: ACMG Guidelines, 2015. Collection method: clinical testing. Allele origin: germline.

PreventionGenetics, part of Exact Sciences
Classification: Likely benign for COLEC11-related condition. Last evaluated: 2019-08-23. Review status: no assertion criteria provided. Collection method: clinical testing. Allele origin: germline. Not counted in ClinVar's aggregate classification.
Comment: This variant is classified as likely benign based on ACMG/AMP sequence variant interpretation guidelines (Richards et al. 2015 PMID: 25741868, with internal and published modifications).